The following is an entry in ClinVar:

NM_001123385.2(BCOR):c.4742-1G>A

Gene: BCOR (BCL6 corepressor; minus strand). Cytogenetic location: Xp11.4.
Variant type: single nucleotide variant.
Coding change: c.4742-1G>A on transcript NM_001123385.2 (MANE Select); the canonical splice acceptor site of the intron before coding-DNA position 4742, G replaced by A.
Molecular consequence: splice acceptor variant.
Genome position (GRCh38, 1-based): chrX:40,054,334, C>T on the plus strand (G>A on the coding strand, the complement: BCOR is on the minus strand). VCF-style: chrX-40054334-C-T. GRCh37 (hg19) VCF-style: chrX-39913587-C-T.
Other names: c.4586-1G>A (NM_001123384.2); c.4688-1G>A (NM_001438207.1); c.4640-1G>A (NM_001123383.2, NM_001438208.1, NM_017745.6); c.4742-1G>A (NM_001437510.1, NM_001437511.1).
Identifiers: ClinVar variation 4767763 (VCV004767763.1).

ClinVar aggregate classification (germline): Likely pathogenic (1 of 4 stars; one submission).

Conditions:
Oculofaciocardiodental syndrome (MCOPS2). Identifiers: Orphanet 2712, MedGen C1846265, MONDO:0010261, OMIM 300166.

Submission:

Labcorp Genetics (formerly Invitae), Labcorp
Classification: Likely pathogenic for Oculofaciocardiodental syndrome. Last evaluated: 2025-06-26. Review status: criteria provided, single submitter. Criteria: Invitae Variant Classification Sherloc (09022015). Collection method: clinical testing. Allele origin: germline.
Comment: This sequence change affects an acceptor splice site in intron 12 of the BCOR gene. It is expected to disrupt RNA splicing. Variants that disrupt the donor or acceptor splice site typically lead to a loss of protein function (PMID: 16199547), and loss-of-function variants in BCOR are known to be pathogenic (PMID: 15004558, 19367324). This variant is not present in population databases (gnomAD no frequency). This variant has not been reported in the literature in individuals affected with BCOR-related conditions. Algorithms developed to predict the effect of sequence changes on RNA splicing suggest that this variant may disrupt the consensus splice site. In summary, the currently available evidence indicates that the variant is pathogenic, but additional data are needed to prove that conclusively. Therefore, this variant has been classified as Likely Pathogenic.

Literature cited by the submitters: PubMed 16199547; PubMed 15004558; PubMed 19367324.